The following is an entry in ClinVar:

NM_007294.4(BRCA1):c.3724A>G (p.Thr1242Ala)

Genes: BRCA1 (BRCA1 DNA repair associated; minus strand), LOC126862571 (BRD4-independent group 4 enhancer GRCh37_chr17:41243136-41244335; plus strand). Cytogenetic location: 17q21.31.
Variant type: single nucleotide variant.
Coding change: c.3724A>G on transcript NM_007294.4 (MANE Select); coding-DNA position 3724, A replaced by G.
Protein change: p.Thr1242Ala; replaces threonine 1242 with alanine.
Molecular consequence: missense variant. On other transcripts: intron variant (135).
Genome position (GRCh38, 1-based): chr17:43,091,807, T>C on the plus strand (A>G on the coding strand, the complement: BRCA1 is on the minus strand). VCF-style: chr17-43091807-T-C. GRCh37 (hg19) VCF-style: chr17-41243824-T-C.
Other names: p.T1242A:ACT>GCT; c.3391A>G, p.Thr1131Ala (NM_001407957.1, NM_001407946.1, NM_001407947.1 and 6 more transcripts); c.3388A>G, p.Thr1130Ala (NM_001407958.1, NM_001407954.1, NM_001407955.1 and 1 more transcripts); c.3343A>G, p.Thr1115Ala (NM_001407959.1, NM_001407960.1, NM_001407963.1); c.3340A>G, p.Thr1114Ala (NM_001407962.1); c.3580A>G, p.Thr1194Ala (NM_001407964.1, NM_001407740.1, NM_001407741.1 and 20 more transcripts); c.3220A>G, p.Thr1074Ala (NM_001407965.1); c.2836A>G, p.Thr946Ala (NM_001407966.1, NM_001407967.1); and 42 more; short protein forms T1242A, T1195A, T1172A, T1174A, T1194A, T1201A, T1215A, T946A.
Identifiers: ClinVar variation 54982 (VCV000054982.78), dbSNP rs80357037, ClinGen allele CA002391.

ClinVar aggregate classification (germline): Benign. Review status: reviewed by expert panel (3 of 4 stars). 10 submissions from 10 submitters: Benign (1). 9 of the submissions do not count toward it. Last evaluated 2019-06-18.

Conditions:
Hereditary cancer-predisposing syndrome. Also called: Neoplastic Syndromes, Hereditary; Tumor predisposition; Hereditary Cancer Syndrome; Hereditary neoplastic syndrome. Identifiers: Orphanet 140162, MedGen C0027672, MeSH D009386, MONDO:0015356.
Hereditary breast ovarian cancer syndrome. Also called: Hereditary breast and/or ovarian cancer syndrome; Hereditary breast and ovarian cancer syndrome; Hereditary breast and ovarian cancer; Hereditary breast and ovarian cancer syndrome (HBOC); Breast and ovarian cancer; BRCA1- and BRCA2-Associated Hereditary Breast and Ovarian Cancer. Identifiers: Orphanet 145, MedGen C0677776, MeSH D061325, MONDO:0003582. Disease mechanism: loss of function.
Breast-ovarian cancer, familial, susceptibility to, 1 (BROVCA1). Also called: OVARIAN CANCER, SUSCEPTIBILITY TO; BRCA1 Hereditary Breast and Ovarian Cancer. Identifiers: Orphanet 145, MedGen C2676676, MONDO:0011450, OMIM 604370. Disease mechanism: loss of function.

Allele frequency attached by ClinVar (database versions not stated): TOPMed 0.00001; gnomAD exomes below 0.00001 and 0.00001; ExAC 0.00001.
gnomAD v4.1: 12 of 1,614,204 alleles (0.00074%); highest among the groups gnomAD compares: African/African-American, 0.0013%; no homozygotes.

Submissions (10):

Evidence-based Network for the Interpretation of Germline Mutant Alleles (ENIGMA)
Classification: Benign for Breast-ovarian cancer, familial, susceptibility to, 1. Last evaluated: 2019-06-18. Review status: reviewed by expert panel. Criteria: ENIGMA BRCA1/2 Classification Criteria (2017-06-29). Collection method: curation. Allele origin: germline.
Comment: IARC class based on posterior probability from multifactorial likelihood analysis, thresholds for class as per Plon et al. 2008 (PMID: 18951446). Class 1 based on posterior probability = 0.000025

CeGaT Center for Human Genetics Tuebingen
Classification: Likely benign. Last evaluated: 2026-08-01. Review status: criteria provided, single submitter. Criteria: CeGaT Center For Human Genetics Tuebingen Variant Classification Criteria Version 2. Collection method: clinical testing. Allele origin: germline. Affected: yes. Observed: 1 variant allele. Not counted in ClinVar's aggregate classification.
Comment: BRCA1: BP4

Labcorp Genetics (formerly Invitae), Labcorp
Classification: Likely benign for Hereditary breast ovarian cancer syndrome. Last evaluated: 2025-09-25. Review status: criteria provided, single submitter. Criteria: Invitae Variant Classification Sherloc (09022015). Collection method: clinical testing. Allele origin: germline. Not counted in ClinVar's aggregate classification.

ARUP Laboratories, Molecular Genetics and Genomics, ARUP Laboratories
Classification: Benign. Last evaluated: 2025-06-05. Review status: criteria provided, single submitter. Criteria: ARUP Molecular Germline Variant Investigation Process 2024. Collection method: clinical testing. Allele origin: germline. Not counted in ClinVar's aggregate classification.

Ambry Genetics
Classification: Uncertain significance for Hereditary cancer-predisposing syndrome. Last evaluated: 2024-08-23. Review status: criteria provided, single submitter. Criteria: Ambry Variant Classification Scheme 2023. Collection method: clinical testing. Allele origin: germline. Not counted in ClinVar's aggregate classification.
Comment: The p.T1242A variant (also known as c.3724A>G), located in coding exon 9 of the BRCA1 gene, results from an A to G substitution at nucleotide position 3724. The threonine at codon 1242 is replaced by alanine, an amino acid with similar properties. This alteration has been detected in 1/2575 unselected patients with breast cancer and 0/2809 healthy control individuals from a Malaysian cohort (Wen WX et al. J. Med. Genet. 2018 02;55:97-103). This alteration was classified as benign in a multifactorial model of variant interpretation that incorporates co-segregation, family history, co-occurrence, tumor pathology, and case-control data (Parsons MT. et al. Hum Mutat. 2019 09;40(9):1557-1578). This amino acid position is not well conserved in available vertebrate species. In addition, the in silico prediction for this alteration is inconclusive. Based on the available evidence, the clinical significance of this variant remains unclear.

Women's Health and Genetics/Laboratory Corporation of America, LabCorp
Classification: Uncertain significance. Last evaluated: 2024-06-17. Review status: criteria provided, single submitter. Criteria: LabCorp Variant Classification Summary - May 2015. Collection method: clinical testing. Allele origin: germline. Not counted in ClinVar's aggregate classification.
Comment: Variant summary: BRCA1 c.3724A>G (p.Thr1242Ala) results in a non-conservative amino acid change in the encoded protein sequence. Four of five in-silico tools predict a benign effect of the variant on protein function. The variant allele was found at a frequency of 7.4e-06 in 1614204 control chromosomes. This frequency is not significantly higher than estimated for a pathogenic variant in BRCA1 causing Hereditary Breast and Ovarian Cancer Syndrome (7.4e-06 vs 0.001), allowing no conclusion about variant significance. c.3724A>G has been reported in the literature in at least an individual affected with breast cancer without any strong evidence for causality (example: Xiong Wen_2018). These report(s) do not provide unequivocal conclusions about association of the variant with Hereditary Breast and Ovarian Cancer Syndrome. A multifactorial likelihood analysis and a functional study have classified the variant as benign (example: Lyra_2020, Parson_2019). The following publications have been ascertained in the context of this evaluation (PMID: 31294896, 16267036, 33087888, 31112341, 23704879, 28993434, 31131967). ClinVar contains an entry for this variant (Variation ID: 54982). Based on the evidence outlined above, the variant was classified as VUS-possibly benign.

Sema4
Classification: Uncertain significance for Hereditary cancer-predisposing syndrome. Last evaluated: 2021-12-05. Review status: criteria provided, single submitter. Criteria: Sema4 Curation Guidelines. Collection method: curation. Allele origin: germline. Not counted in ClinVar's aggregate classification.
Comment: The BRCA1 c.3724A>G (p.T1242A) variant has been reported in heterozygosity in individuals with breast cancer (PMID: 28993434, 16267036). It has been reported in a large case-control study of breast cancer in 0/60466 cases and 1/53461 controls (PMID: 33471991). It was observed in 1/16256 chromosomes in the African/African American subpopulation according to the Genome Aggregation Database (PMID: 32461654). This variant has been reported in ClinVar (Variation ID: 54982). In silico tools suggest the impact of the variant on protein function is inconclusive, though these predictions have not been confirmed by functional studies. The evidence is insufficient to meet ACMG/AMP criteria for classifying the variant as benign or pathogenic. Thus, the clinical significance of this variant is currently uncertain.

GeneDx
Classification: Likely benign. Last evaluated: 2019-12-02. Review status: criteria provided, single submitter. Criteria: GeneDx Variant Classification Process June 2021. Collection method: clinical testing. Allele origin: germline. Affected: yes. Not counted in ClinVar's aggregate classification.
Comment: Not observed at a significant frequency in large population cohorts (Lek et al., 2016); In silico analysis, which includes protein predictors and evolutionary conservation, supports that this variant does not alter protein structure/function; This variant is associated with the following publications: (PMID: 28993434, 16267036, 31131967)

Color Diagnostics, LLC DBA Color Health
Classification: Likely benign for Hereditary cancer-predisposing syndrome. Last evaluated: 2016-07-14. Review status: criteria provided, single submitter. Criteria: ACMG Guidelines, 2015. Collection method: clinical testing. Allele origin: germline. Not counted in ClinVar's aggregate classification.

Breast Cancer Information Core (BIC) (BRCA1)
Classification: Uncertain significance for Breast-ovarian cancer, familial 1. Last evaluated: 2004-11-25. Review status: no assertion criteria provided. Collection method: clinical testing. Allele origin: germline. Affected: yes. Observed: 2 variant alleles. Not counted in ClinVar's aggregate classification.

Literature cited by the submitters: PubMed 31131967 (cited by Evidence-based Network for the Interpretation of Germline Mutant Alleles (ENIGMA) and Women's Health and Genetics/Laboratory Corporation of America, LabCorp); PubMed 28993434 (cited by 3 submitters); PubMed 16267036 (cited by Women's Health and Genetics/Laboratory Corporation of America, LabCorp and Sema4); PubMed 23704879 (cited by Women's Health and Genetics/Laboratory Corporation of America, LabCorp); PubMed 31112341 (cited by Women's Health and Genetics/Laboratory Corporation of America, LabCorp); PubMed 31294896 (cited by Women's Health and Genetics/Laboratory Corporation of America, LabCorp); PubMed 33087888 (cited by Women's Health and Genetics/Laboratory Corporation of America, LabCorp); PubMed 33471991 (cited by Sema4).